The following is an entry in ClinVar:

NM_005996.4(TBX3):c.702T>C (p.Ile234=)

Gene: TBX3 (T-box transcription factor 3; minus strand). Cytogenetic location: 12q24.21.
Variant type: single nucleotide variant.
Coding change: c.702T>C on transcript NM_005996.4 (MANE Select); coding-DNA position 702, T replaced by C.
Protein change: p.Ile234=; no amino-acid change (isoleucine 234 retained).
Molecular consequence: synonymous variant.
Genome position (GRCh38, 1-based): chr12:114,679,607, A>G on the plus strand (T>C on the coding strand, the complement: TBX3 is on the minus strand). VCF-style: chr12-114679607-A-G. GRCh37 (hg19) VCF-style: chr12-115117412-A-G.
Other names: c.762T>C, p.Ile254= (NM_016569.4).
Identifiers: ClinVar variation 4979089 (VCV004979089.1).

ClinVar aggregate classification (germline): Likely benign (1 of 4 stars; one submission).

Conditions:
TBX3-related disorder. Also called: TBX3-related condition.

gnomAD v4.1: 2 of 1,614,188 alleles (0.00012%); highest among the groups gnomAD compares: Non-Finnish European, 0.00017%; no homozygotes.

Submission:

PreventionGenetics, part of Exact Sciences
Classification: Likely benign for TBX3-related condition. Last evaluated: 2026-06-30. Review status: criteria provided, single submitter. Criteria: ACMG Guidelines, 2015. Collection method: clinical testing. Allele origin: germline.
Comment: This variant is classified as likely benign based on ACMG/AMP sequence variant interpretation guidelines (Richards et al. 2015 PMID: 25741868, with internal and published modifications).